The following is an entry in ClinVar:

NM_001127222.2(CACNA1A):c.3757A>T (p.Ile1253Phe)

Gene: CACNA1A (calcium voltage-gated channel subunit alpha1 A; minus strand). Cytogenetic location: 19p13.13.
Variant type: single nucleotide variant.
Coding change: c.3757A>T on transcript NM_001127222.2 (MANE Select); coding-DNA position 3757, A replaced by T.
Protein change: p.Ile1253Phe; replaces isoleucine 1253 with phenylalanine.
Molecular consequence: missense variant.
Genome position (GRCh38, 1-based): chr19:13,283,332, T>A on the plus strand (A>T on the coding strand, the complement: CACNA1A is on the minus strand). VCF-style: chr19-13283332-T-A. GRCh37 (hg19) VCF-style: chr19-13394146-T-A.
Other names: c.3769A>T, p.Ile1257Phe (NM_000068.4, NM_023035.3); c.3760A>T, p.Ile1254Phe (NM_001127221.2, NM_001174080.2); short protein forms I1253F, I1254F, I1257F.
Identifiers: ClinVar variation 1362047 (VCV001362047.8), dbSNP rs2144871593, ClinGen allele CA404340665.

ClinVar aggregate classification (germline): Uncertain significance (1 of 4 stars; one submission).

Conditions:
Episodic ataxia type 2 (EA2). Also called: ATAXIA, EPISODIC, WITH NYSTAGMUS; ATAXIA, FAMILIAL PAROXYSMAL; CEREBELLAR ATAXIA, PAROXYSMAL, ACETAZOLAMIDE-RESPONSIVE; CEREBELLOPATHY, HEREDITARY PAROXYSMAL; EPISODIC ATAXIA, NYSTAGMUS-ASSOCIATED; ACETAZOLAMIDE-RESPONSIVE HEREDITARY PAROXYSMAL CEREBELLAR ATAXIA. Identifiers: Orphanet 97, MedGen C1720416, MONDO:0007163, OMIM 108500.
Developmental and epileptic encephalopathy, 42 (DEE42A). Also called: DEVELOPMENTAL AND EPILEPTIC ENCEPHALOPATHY 42A; EPILEPTIC ENCEPHALOPATHY, EARLY INFANTILE, 42A; Epileptic encephalopathy, early infantile, 42. Identifiers: MedGen C4310716, MONDO:0014917, OMIM 617106.

Submission:

Labcorp Genetics (formerly Invitae), Labcorp
Classification: Uncertain significance for Developmental and epileptic encephalopathy, 42; Episodic ataxia type 2. Last evaluated: 2021-06-18. Review status: criteria provided, single submitter. Criteria: Invitae Variant Classification Sherloc (09022015). Collection method: clinical testing. Allele origin: germline.
Comment: Advanced modeling of protein sequence and biophysical properties (such as structural, functional, and spatial information, amino acid conservation, physicochemical variation, residue mobility, and thermodynamic stability) performed at Invitae indicates that this missense variant is expected to disrupt CACNA1A protein function. This variant has not been reported in the literature in individuals with CACNA1A-related conditions. This variant is not present in population databases (ExAC no frequency). This sequence change replaces isoleucine with phenylalanine at codon 1254 of the CACNA1A protein (p.Ile1254Phe). The isoleucine residue is highly conserved and there is a small physicochemical difference between isoleucine and phenylalanine. In summary, the available evidence is currently insufficient to determine the role of this variant in disease. Therefore, it has been classified as a Variant of Uncertain Significance.